The following is an entry in ClinVar:

NM_004385.5(VCAN):c.941A>G (p.Gln314Arg)

Gene: VCAN (versican; plus strand). Cytogenetic location: 5q14.3.
Variant type: single nucleotide variant.
Coding change: c.941A>G on transcript NM_004385.5 (MANE Select); coding-DNA position 941, A replaced by G.
Protein change: p.Gln314Arg; replaces glutamine 314 with arginine.
Molecular consequence: missense variant.
Genome position (GRCh38, 1-based): chr5:83,512,295, A>G. VCF-style: chr5-83512295-A-G. GRCh37 (hg19) VCF-style: chr5-82808114-A-G.
Other names: c.941A>G, p.Gln314Arg (NM_001126336.3, NM_001164097.2, NM_001164098.2); short protein forms Q314R.
Identifiers: ClinVar variation 3689761 (VCV003689761.2).
Genomic context (GRCh38, chr5:83,512,295, plus strand): 5'-GCGATTACGGGTGGCTGTCGGATGCCAGCGTGCGCCACCCTGTGACTGTGGCCAGGGCCC[A>G]GTGTGGAGGTGGTCTACTTGGGGTGAGAACCCTGTATCGTTTTGAGAACCAGACAGGCTT-3'
Protein context (NP_004376.2, residues 304-324): VRHPVTVARA[Gln314Arg]CGGGLLGVRT

ClinVar aggregate classification (germline): Uncertain significance (1 of 4 stars; one submission).

Submission:

Labcorp Genetics (formerly Invitae), Labcorp
Classification: Uncertain significance. Last evaluated: 2024-02-20. Review status: criteria provided, single submitter. Criteria: Invitae Variant Classification Sherloc (09022015). Collection method: clinical testing. Allele origin: germline.
Comment: This sequence change replaces glutamine, which is neutral and polar, with arginine, which is basic and polar, at codon 314 of the VCAN protein (p.Gln314Arg). This variant is not present in population databases (gnomAD no frequency). This variant has not been reported in the literature in individuals affected with VCAN-related conditions. An algorithm developed to predict the effect of missense changes on protein structure and function (PolyPhen-2) suggests that this variant is likely to be disruptive. In summary, the available evidence is currently insufficient to determine the role of this variant in disease. Therefore, it has been classified as a Variant of Uncertain Significance.